The following is an entry in ClinVar:

NM_001369.3(DNAH5):c.5830A>C (p.Asn1944His)

Gene: DNAH5 (dynein axonemal heavy chain 5; minus strand). Cytogenetic location: 5p15.2.
Variant type: single nucleotide variant.
Coding change: c.5830A>C on transcript NM_001369.3 (MANE Select); coding-DNA position 5830, A replaced by C.
Protein change: p.Asn1944His; replaces asparagine 1944 with histidine.
Molecular consequence: missense variant.
Genome position (GRCh38, 1-based): chr5:13,839,408, T>G on the plus strand (A>C on the coding strand, the complement: DNAH5 is on the minus strand). VCF-style: chr5-13839408-T-G. GRCh37 (hg19) VCF-style: chr5-13839517-T-G.
Other names: short protein forms N1944H.
Identifiers: ClinVar variation 971690 (VCV000971690.14), dbSNP rs906638785, ClinGen allele CA113945266.

ClinVar aggregate classification (germline): Uncertain significance. Review status: criteria provided, multiple submitters, no conflicts (2 of 4 stars). 3 submissions from 3 submitters: Uncertain significance (2). 1 of the submissions does not count toward it. Last evaluated 2024-07-04.

Conditions:
Primary ciliary dyskinesia. Also called: Ciliary dyskinesia. Identifiers: Orphanet 244, MedGen C0008780, MONDO:0016575, HP:0012265.

Allele frequency attached by ClinVar (database versions not stated): gnomAD 0.00001; gnomAD exomes 0.00001; TOPMed 0.00001.
gnomAD v4.1: 13 of 1,613,980 alleles (0.00081%); highest among the groups gnomAD compares: Non-Finnish European, 0.0011%; no homozygotes.

Submissions (3):

Labcorp Genetics (formerly Invitae), Labcorp
Classification: Uncertain significance for Primary ciliary dyskinesia. Last evaluated: 2024-07-04. Review status: criteria provided, single submitter. Criteria: Invitae Variant Classification Sherloc (09022015). Collection method: clinical testing. Allele origin: germline.
Comment: This sequence change replaces asparagine, which is neutral and polar, with histidine, which is basic and polar, at codon 1944 of the DNAH5 protein (p.Asn1944His). This variant is present in population databases (no rsID available, gnomAD 0.0009%). This variant has not been reported in the literature in individuals affected with DNAH5-related conditions. ClinVar contains an entry for this variant (Variation ID: 971690). Advanced modeling of protein sequence and biophysical properties (such as structural, functional, and spatial information, amino acid conservation, physicochemical variation, residue mobility, and thermodynamic stability) performed at Invitae indicates that this missense variant is not expected to disrupt DNAH5 protein function with a negative predictive value of 95%. In summary, the available evidence is currently insufficient to determine the role of this variant in disease. Therefore, it has been classified as a Variant of Uncertain Significance.

Ambry Genetics
Classification: Uncertain significance for Primary ciliary dyskinesia. Last evaluated: 2021-11-01. Review status: criteria provided, single submitter. Criteria: Ambry Variant Classification Scheme 2023. Collection method: clinical testing. Allele origin: germline.
Comment: The p.N1944H variant (also known as c.5830A>C), located in coding exon 35 of the DNAH5 gene, results from an A to C substitution at nucleotide position 5830. The asparagine at codon 1944 is replaced by histidine, an amino acid with similar properties. This amino acid position is highly conserved in available vertebrate species. In addition, this alteration is predicted to be tolerated by in silico analysis. Since supporting evidence is limited at this time, the clinical significance of this alteration remains unclear.

Natera, Inc.
Classification: Uncertain significance for Primary ciliary dyskinesia. Last evaluated: 2020-10-22. Review status: no assertion criteria provided. Collection method: clinical testing. Allele origin: germline. Not counted in ClinVar's aggregate classification.